The following is an entry in ClinVar:

ClinVar aggregate classification (germline): Uncertain significance (1 of 4 stars; one submission).

Allele frequency attached by ClinVar (database versions not stated): ExAC 0.00007; TOPMed 0.00010; gnomAD 0.00012; ESP Exome Variant Server 0.00015; 1000 Genomes Project 30x 0.00016; 1000 Genomes Project 0.00020.
gnomAD v4.1: 73 of 1,613,062 alleles (0.0045%); highest among the groups gnomAD compares: African/African-American, 0.041%; no homozygotes.

Submission:

Labcorp Genetics (formerly Invitae), Labcorp
Classification: Uncertain significance. Last evaluated: 2025-12-23. Review status: criteria provided, single submitter. Criteria: Invitae Variant Classification Sherloc (09022015). Collection method: clinical testing. Allele origin: germline.
Comment: This sequence change replaces threonine, which is neutral and polar, with alanine, which is neutral and non-polar, at codon 1049 of the SIN3A protein (p.Thr1049Ala). This variant is present in population databases (rs143418281, gnomAD 0.05%), and has an allele count higher than expected for a pathogenic variant. This variant has not been reported in the literature in individuals affected with SIN3A-related conditions. ClinVar contains an entry for this variant (Variation ID: 2712605). Invitae Evidence Modeling of protein sequence and biophysical properties (such as structural, functional, and spatial information, amino acid conservation, physicochemical variation, residue mobility, and thermodynamic stability) indicates that this missense variant is not expected to disrupt SIN3A protein function with a negative predictive value of 80%. In summary, the available evidence is currently insufficient to determine the role of this variant in disease. Therefore, it has been classified as a Variant of Uncertain Significance.

NM_001145358.2(SIN3A):c.3145A>G (p.Thr1049Ala)

Gene: SIN3A (SIN3 transcription regulator family member A; minus strand). Cytogenetic location: 15q24.2.
Variant type: single nucleotide variant.
Coding change: c.3145A>G on transcript NM_001145358.2 (MANE Select); coding-DNA position 3145, A replaced by G.
Protein change: p.Thr1049Ala; replaces threonine 1049 with alanine.
Molecular consequence: missense variant.
Genome position (GRCh38, 1-based): chr15:75,384,314, T>C on the plus strand (A>G on the coding strand, the complement: SIN3A is on the minus strand). VCF-style: chr15-75384314-T-C. GRCh37 (hg19) VCF-style: chr15-75676655-T-C.
Other names: c.3145A>G, p.Thr1049Ala (NM_001145357.2, NM_015477.3); short protein forms T1049A.
Identifiers: ClinVar variation 2712605 (VCV002712605.3), dbSNP rs143418281, ClinGen allele CA7667328.